The following is an entry in ClinVar:

ClinVar aggregate classification (germline): Likely pathogenic (1 of 4 stars; one submission).

Submission:

GeneDx
Classification: Likely pathogenic. Last evaluated: 2014-08-22. Review status: criteria provided, single submitter. Criteria: GeneDx Variant Classification (06012015). Collection method: clinical testing. Allele origin: germline. Affected: yes.
Comment: c.1345_1350dupAATGGC: p.Asn449_Gly450dup in exon 10 in the FBN2 gene (NM_001999.3). The normal sequence with the bases that are duplicated in braces is: TCCG{AATGGC}TATG. The c.1345_1350dupAATGGC variant causes an in-frame duplication of two amino acid residues (Asn, Gly) at positions that are well-conserved, but not located within a functional domain. The c.1345_1350dupAATGGC variant was not observed in approximately 6,500 individuals of European and African American ancestry in the NHLBI Exome Sequencing Project, indicating it is not a common benign variant in these populations. The c.1345_1350dupAATGGC variant is a good candidate for a disease-causing mutation. However, the possibility that c.1345_1350dupAATGGC may be a rare benign variant cannot be excluded. This variant was found in FBN2.

NM_001999.4(FBN2):c.1339AATGGC[3] (p.447NG[3])

Gene: FBN2 (fibrillin 2; minus strand). Cytogenetic location: 5q23.3.
Variant type: Microsatellite.
Coding change: c.1339AATGGC[3] on transcript NM_001999.4 (MANE Select); three copies in a row of the 6-base unit AATGGC starting at c.1339; the reference has two copies in a row; one copy, 6 bases duplicated.
Protein change: p.447NG[3].
Molecular consequence: inframe insertion.
Genome position (GRCh38, 1-based): chr5:128,393,250-128,393,255, GCCATT duplicated on the plus strand (AATGGC on the coding strand, the reverse complement: FBN2 is on the minus strand); duplicating any 6 consecutive bases within chr5:128,393,250-128,393,265 gives the same sequence; the position shown is the placement nearest the transcript's 3' end. VCF-style (leftmost placement, unchanged base first): chr5-128393249-A-AGCCATT. GRCh37 (hg19) VCF-style: chr5-127728942-A-AGCCATT.
Identifiers: ClinVar variation 213382 (VCV000213382.1), dbSNP rs863223593, ClinGen allele CA324379.
Genomic context (GRCh38, chr5:128,393,249, plus strand): 5'-CGCCAGGAGAAAAGCCATTGCCTCCAGGGATGGGGATGAAGCCTGTCCCTCCTGGGCCAT[A>AGCCATT]GCCATTGCCATTGCCACTTGGGGCAAAGCCATTTCCCCCAGTGCCTCCAGGTCTGGAACC-3'